The following is an entry in ClinVar:

ClinVar aggregate classification (germline): Conflicting classifications of pathogenicity. Review status: criteria provided, conflicting classifications (1 of 4 stars). 3 submissions from 3 submitters: Uncertain significance (2); Likely benign (1). Last evaluated 2025-06-19.

Conditions:
ADCY3-related disorder. Also called: ADCY3-related condition.

Allele frequency attached by ClinVar (database versions not stated): gnomAD exomes 0.00008; ExAC 0.00018; gnomAD 0.00046; TOPMed 0.00066; ESP Exome Variant Server 0.00077; 1000 Genomes Project 0.00080; 1000 Genomes Project 30x 0.00094.
gnomAD v4.1: 200 of 1,612,094 alleles (0.012%); highest among the groups gnomAD compares: African/African-American, 0.2%; 1 homozygote.

Submissions (3):

PreventionGenetics, part of Exact Sciences
Classification: Likely benign for ADCY3-related condition. Last evaluated: 2025-06-19. Review status: criteria provided, single submitter. Criteria: ACMG Guidelines, 2015. Collection method: clinical testing. Allele origin: germline.
Comment: This variant is classified as likely benign based on ACMG/AMP sequence variant interpretation guidelines (Richards et al. 2015 PMID: 25741868, with internal and published modifications).

Labcorp Genetics (formerly Invitae), Labcorp
Classification: Uncertain significance. Last evaluated: 2025-04-19. Review status: criteria provided, single submitter. Criteria: Invitae Variant Classification Sherloc (09022015). Collection method: clinical testing. Allele origin: germline.
Comment: This sequence change replaces alanine, which is neutral and non-polar, with valine, which is neutral and non-polar, at codon 553 of the ADCY3 protein (p.Ala553Val). This variant is present in population databases (rs115329263, gnomAD 0.2%), including at least one homozygous and/or hemizygous individual. This variant has not been reported in the literature in individuals affected with ADCY3-related conditions. ClinVar contains an entry for this variant (Variation ID: 3055498). An algorithm developed to predict the effect of missense changes on protein structure and function (PolyPhen-2) suggests that this variant is likely to be tolerated. In summary, the available evidence is currently insufficient to determine the role of this variant in disease. Therefore, it has been classified as a Variant of Uncertain Significance.

Blueprint Genetics
Classification: Uncertain significance. Last evaluated: 2024-11-11. Review status: criteria provided, single submitter. Criteria: ACMG Guidelines, 2015. Collection method: clinical testing. Allele origin: germline.

NM_004036.5(ADCY3):c.1658C>T (p.Ala553Val)

Gene: ADCY3 (adenylate cyclase 3; minus strand). Cytogenetic location: 2p23.3.
Variant type: single nucleotide variant.
Coding change: c.1658C>T on transcript NM_004036.5 (MANE Select); coding-DNA position 1658, C replaced by T.
Protein change: p.Ala553Val; replaces alanine 553 with valine.
Molecular consequence: missense variant.
Genome position (GRCh38, 1-based): chr2:24,836,921, G>A on the plus strand (C>T on the coding strand, the complement: ADCY3 is on the minus strand). VCF-style: chr2-24836921-G-A. GRCh37 (hg19) VCF-style: chr2-25059790-G-A.
Other names: c.1658C>T, p.Ala553Val (NM_001320613.2, NM_001377129.1, NM_001377130.1 and 1 more transcripts); c.1724C>T, p.Ala575Val (NM_001377128.1); c.935C>T, p.Ala312Val (NM_001377131.1); short protein forms A312V, A553V, A575V.
Identifiers: ClinVar variation 3055498 (VCV003055498.5), dbSNP rs115329263, ClinGen allele CA1554059.
Genomic context (GRCh38, chr2:24,836,921, plus strand): 5'-TGGTGCCTGCCCGCATCTGGCCCTCAGTGACCCCCTGCCCTGAGCCCTGCACATACCTGG[G>A]CATCCTGCTCCTCGGGCTTCTCCGACGTGGACCCACTGCTGTGGGCACTCCCGTTGGGCT-3'
Protein context (NP_004027.2, residues 543-563): STSEKPEEQD[Ala553Val]QADNPSFPNP